The following is an entry in ClinVar:

ClinVar aggregate classification (germline): Pathogenic/Likely pathogenic. Review status: criteria provided, multiple submitters, no conflicts (2 of 4 stars). 5 submissions from 5 submitters: Pathogenic (1); Likely pathogenic (2). 2 of the submissions do not count toward it. Last evaluated 2025-10-30.

Conditions:
VMA12-related condition.
Congenital disorders of glycosylation type II. Identifiers: MedGen CN234782.
TMEM199-CDG. Also called: CONGENITAL DISORDER OF GLYCOSYLATION, TYPE IIp; CDG IIp. Identifiers: Orphanet 466703, MedGen C4225190, MONDO:0014790, OMIM 616829.

Allele frequency attached by ClinVar (database versions not stated): gnomAD exomes 0.00004; ExAC 0.00005; gnomAD 0.00005 and 0.00006; TOPMed 0.00005.
gnomAD v4.1: 85 of 1,613,342 alleles (0.0053%); highest among the groups gnomAD compares: Admixed American, 0.0083%; no homozygotes.

Submissions (5):

PreventionGenetics, part of Exact Sciences
Classification: Likely pathogenic for VMA12-related condition. Last evaluated: 2025-10-30. Review status: criteria provided, single submitter. Criteria: ACMG Guidelines, 2015. Collection method: clinical testing. Allele origin: germline.
Comment: The VMA12 c.92G>C variant is predicted to result in the amino acid substitution p.Arg31Pro. This variant has been reported in the homozygous and compound heterozygous states in patients with abnormal protein glycosylation (Jansen et al. 2016. PubMed ID: 26833330; Vajro et al. 2018. PubMed ID: 29321044). This variant is reported in 0.0087% of alleles in individuals of Latino descent in gnomAD. This variant is interpreted as likely pathogenic.

Labcorp Genetics (formerly Invitae), Labcorp
Classification: Pathogenic. Last evaluated: 2023-08-04. Review status: criteria provided, single submitter. Criteria: Invitae Variant Classification Sherloc (09022015). Collection method: clinical testing. Allele origin: germline.
Comment: This sequence change replaces arginine, which is basic and polar, with proline, which is neutral and non-polar, at codon 31 of the TMEM199 protein (p.Arg31Pro). This variant is present in population databases (rs782531869, gnomAD 0.009%). This missense change has been observed in individual(s) with congenital disorder of glycosylation type II (PMID: 26833330, 29321044). It has also been observed to segregate with disease in related individuals. ClinVar contains an entry for this variant (Variation ID: 218964). An algorithm developed to predict the effect of missense changes on protein structure and function (PolyPhen-2) suggests that this variant is likely to be disruptive. Studies have shown that this missense change alters TMEM199 gene expression (PMID: 29321044). For these reasons, this variant has been classified as Pathogenic.

Juno Genomics, Hangzhou Juno Genomics, Inc
Classification: Likely pathogenic for TMEM199-CDG. Review status: criteria provided, single submitter. Criteria: ACMG Guidelines, 2015. Collection method: clinical testing. Allele origin: germline.
Comment: Absent from controls (or at extremely low frequency if recessive) in Genome Aggregation Database.;For recessive disorders, detected in trans with a pathogenic variant.;Co-segregation with disease in multiple affected family members.;Patient's phenotype or family history is highly specific for a disease with a single genetic etiology.;Multiple lines of computational evidence suggest no impact on gene or gene product.

OMIM
Classification: Pathogenic for CONGENITAL DISORDER OF GLYCOSYLATION, TYPE IIp. Last evaluated: 2016-02-29. Review status: no assertion criteria provided. Collection method: literature only. Allele origin: germline. Not counted in ClinVar's aggregate classification.

Laboratory of Gastroenterology and Hepatology, Radboud University Medical Center
Classification: Pathogenic for Congenital disorders of glycosylation type II. Review status: no assertion criteria provided. Collection method: research. Allele origin: germline. Inheritance: Autosomal recessive inheritance. Affected: yes. Observed: 1 variant allele, 1 homozygote. Not counted in ClinVar's aggregate classification.

Literature cited by the submitters: PubMed 26833330 (cited by 3 submitters); PubMed 29321044 (cited by Labcorp Genetics (formerly Invitae), Labcorp).

NM_152464.3(VMA12):c.92G>C (p.Arg31Pro)

Gene: VMA12 (vacuolar ATPase assembly factor VMA12; plus strand). Cytogenetic location: 17q11.2.
Variant type: single nucleotide variant.
Coding change: c.92G>C on transcript NM_152464.3 (MANE Select); coding-DNA position 92, G replaced by C.
Protein change: p.Arg31Pro; replaces arginine 31 with proline.
Molecular consequence: missense variant.
Genome position (GRCh38, 1-based): chr17:28,357,762, G>C. VCF-style: chr17-28357762-G-C. GRCh37 (hg19) VCF-style: chr17-26684785-G-C.
Other names: short protein forms R31P.
Identifiers: ClinVar variation 218964 (VCV000218964.10), dbSNP rs782531869, ClinGen allele CA082736.